The following is an entry in ClinVar:

NM_001042492.3(NF1):c.4645C>G (p.Pro1549Ala)

Gene: NF1 (neurofibromin 1; plus strand). Cytogenetic location: 17q11.2.
Variant type: single nucleotide variant.
Coding change: c.4645C>G on transcript NM_001042492.3 (MANE Select); coding-DNA position 4645, C replaced by G.
Protein change: p.Pro1549Ala; replaces proline 1549 with alanine.
Molecular consequence: missense variant.
Genome position (GRCh38, 1-based): chr17:31,261,778, C>G. VCF-style: chr17-31261778-C-G. GRCh37 (hg19) VCF-style: chr17-29588796-C-G.
Other names: c.4582C>G, p.Pro1528Ala (NM_000267.4); short protein forms P1549A, P1528A.
Identifiers: ClinVar variation 457708 (VCV000457708.5), dbSNP rs1555619025, ClinGen allele CA399000341.

ClinVar aggregate classification (germline): Uncertain significance (1 of 4 stars; one submission).

Conditions:
Neurofibromatosis, type 1 (NF1). Also called: VON RECKLINGHAUSEN DISEASE; NEUROFIBROMATOSIS, TYPE I, SOMATIC; Peripheral type neurofibromatosis; Neurofibromatosis, type I. Identifiers: Orphanet 636, MedGen C0027831, MONDO:0018975, OMIM 162200. Disease mechanism: loss of function.

Submission:

Labcorp Genetics (formerly Invitae), Labcorp
Classification: Uncertain significance for Neurofibromatosis, type 1. Last evaluated: 2022-04-25. Review status: criteria provided, single submitter. Criteria: Invitae Variant Classification Sherloc (09022015). Collection method: clinical testing. Allele origin: germline.
Comment: This sequence change replaces proline, which is neutral and non-polar, with alanine, which is neutral and non-polar, at codon 1528 of the NF1 protein (p.Pro1528Ala). ClinVar contains an entry for this variant (Variation ID: 457708). This variant has not been reported in the literature in individuals affected with NF1-related conditions. This variant is not present in population databases (gnomAD no frequency). Advanced modeling of protein sequence and biophysical properties (such as structural, functional, and spatial information, amino acid conservation, physicochemical variation, residue mobility, and thermodynamic stability) performed at Invitae indicates that this missense variant is expected to disrupt NF1 protein function. In summary, the available evidence is currently insufficient to determine the role of this variant in disease. Therefore, it has been classified as a Variant of Uncertain Significance.